The following is an entry in ClinVar:

ClinVar aggregate classification (germline): Likely pathogenic (1 of 4 stars; one submission).

Allele frequency attached by ClinVar (database versions not stated): gnomAD exomes below 0.00001.

Submission:

GeneDx
Classification: Likely pathogenic. Last evaluated: 2021-08-01. Review status: criteria provided, single submitter. Criteria: GeneDx Variant Classification Process June 2021. Collection method: clinical testing. Allele origin: germline. Affected: yes.
Comment: Has not been previously published as pathogenic or benign to our knowledge; Not observed at significant frequency in large population cohorts (Lek et al., 2016); Canonical splice site variant predicted to result in a null allele in a gene for which loss-of-function is a known mechanism of disease

NM_024105.4(ALG12):c.162+1G>T

Gene: ALG12 (ALG12 alpha-1,6-mannosyltransferase; minus strand). Cytogenetic location: 22q13.33.
Variant type: single nucleotide variant.
Coding change: c.162+1G>T on transcript NM_024105.4 (MANE Select); the canonical splice donor site of the intron after coding-DNA position 162, G replaced by T.
Molecular consequence: splice donor variant.
Genome position (GRCh38, 1-based): chr22:49,913,603, C>A on the plus strand (G>T on the coding strand, the complement: ALG12 is on the minus strand). VCF-style: chr22-49913603-C-A. GRCh37 (hg19) VCF-style: chr22-50307251-C-A.
Identifiers: ClinVar variation 372630 (VCV000372630.3), dbSNP rs1057517895, ClinGen allele CA16043186.
Genomic context (GRCh38, chr22:49,913,603, plus strand): 5'-CACCGGGGCCCTGCCAGCTGGTAACATGAGGTTTTCCCCAAAGACAGCAGGGGCCCCTCA[C>A]CTGCTCCAGGTCTTGCCAGTGGTAGAGCAGGTCATGTGTGGCCTGCAGGTTGAAGCTCTC-3'